The following is an entry in ClinVar:

NM_001365276.2(TNXB):c.1012G>C (p.Gly338Arg)

Gene: TNXB (tenascin XB; minus strand). Cytogenetic location: 6p21.33.
Variant type: single nucleotide variant.
Coding change: c.1012G>C on transcript NM_001365276.2 (MANE Select); coding-DNA position 1012, G replaced by C.
Protein change: p.Gly338Arg; replaces glycine 338 with arginine.
Molecular consequence: missense variant.
Genome position (GRCh38, 1-based): chr6:32,096,841, C>G on the plus strand (G>C on the coding strand, the complement: TNXB is on the minus strand). VCF-style: chr6-32096841-C-G. GRCh37 (hg19) VCF-style: chr6-32064618-C-G.
Other names: c.1012G>C, p.Gly338Arg (NM_001428335.1, NM_019105.8); short protein forms G338R.
Identifiers: ClinVar variation 3459804 (VCV003459804.1).

ClinVar aggregate classification (germline): Uncertain significance (1 of 4 stars; one submission).

Conditions:
Cardiovascular phenotype. Identifiers: MedGen CN230736.

Submission:

Ambry Genetics
Classification: Uncertain significance for Cardiovascular phenotype. Last evaluated: 2024-09-30. Review status: criteria provided, single submitter. Criteria: Ambry Variant Classification Scheme 2023. Collection method: clinical testing. Allele origin: germline.
Comment: The p.G338R variant (also known as c.1012G>C), located in coding exon 2 of the TNXB gene, results from a G to C substitution at nucleotide position 1012. The glycine at codon 338 is replaced by arginine, an amino acid with dissimilar properties. This amino acid position is conserved. In addition, this alteration is predicted to be tolerated by in silico analysis. Based on the available evidence, the clinical significance of this variant remains unclear.